The following is an entry in ClinVar:

NM_000548.5(TSC2):c.3994G>C (p.Ala1332Pro)

Gene: TSC2 (TSC complex subunit 2; plus strand). Cytogenetic location: 16p13.3.
Variant type: single nucleotide variant.
Coding change: c.3994G>C on transcript NM_000548.5 (MANE Select); coding-DNA position 3994, G replaced by C.
Protein change: p.Ala1332Pro; replaces alanine 1332 with proline.
Molecular consequence: missense variant.
Genome position (GRCh38, 1-based): chr16:2,083,805, G>C. VCF-style: chr16-2083805-G-C. GRCh37 (hg19) VCF-style: chr16-2133806-G-C.
Other names: c.3793G>C, p.Ala1265Pro (NM_001077183.3); c.3925G>C, p.Ala1309Pro (NM_001114382.3); c.3685G>C, p.Ala1229Pro (NM_001318827.2); c.3649G>C, p.Ala1217Pro (NM_001318829.2); c.3262G>C, p.Ala1088Pro (NM_001318831.2); c.3826G>C, p.Ala1276Pro (NM_001318832.2); c.3796G>C, p.Ala1266Pro (NM_001363528.2); c.3862G>C, p.Ala1288Pro (NM_001370404.1); and 1 more; short protein forms A1332P, A1229P, A1266P, A1288P, A1088P, A1217P, A1276P, A1289P.
Identifiers: ClinVar variation 451438 (VCV000451438.7), dbSNP rs1555513574, ClinGen allele CA394297756.

ClinVar aggregate classification (germline): Uncertain significance. Review status: criteria provided, multiple submitters, no conflicts (2 of 4 stars). 2 submissions from 2 submitters: Uncertain significance (2). Last evaluated 2022-10-21.

Conditions:
Tuberous sclerosis 2 (TSC2). Identifiers: Orphanet 805, MedGen C1860707, MONDO:0013199, OMIM 613254.

Submissions (2):

Labcorp Genetics (formerly Invitae), Labcorp
Classification: Uncertain significance for Tuberous sclerosis 2. Last evaluated: 2022-10-21. Review status: criteria provided, single submitter. Criteria: Invitae Variant Classification Sherloc (09022015). Collection method: clinical testing. Allele origin: germline.
Comment: In summary, the available evidence is currently insufficient to determine the role of this variant in disease. Therefore, it has been classified as a Variant of Uncertain Significance. Advanced modeling of protein sequence and biophysical properties (such as structural, functional, and spatial information, amino acid conservation, physicochemical variation, residue mobility, and thermodynamic stability) performed at Invitae indicates that this missense variant is not expected to disrupt TSC2 protein function. ClinVar contains an entry for this variant (Variation ID: 451438). This variant has not been reported in the literature in individuals affected with TSC2-related conditions. This variant is not present in population databases (gnomAD no frequency). This sequence change replaces alanine, which is neutral and non-polar, with proline, which is neutral and non-polar, at codon 1332 of the TSC2 protein (p.Ala1332Pro).

GeneDx
Classification: Uncertain significance. Last evaluated: 2017-08-18. Review status: criteria provided, single submitter. Criteria: GeneDx Variant Classification (06012015). Collection method: clinical testing. Allele origin: germline. Affected: yes.
Comment: The A1332P variant in the TSC2 gene has not been reported previously as a pathogenic variant, nor as a benign variant, to our knowledge. The A1332P variant is not observed in large population cohorts (Lek et al., 2016; 1000 Genomes Consortium et al., 2015; Exome Variant Server). The A1332P variant is a semi-conservative amino acid substitution, which may impact secondary protein structure as these residues differ in some properties. This substitution occurs at a position that is not conserved, and in silico analysis predicts this variant likely does not alter the protein structure/function. We interpret A1332P as a variant of uncertain significance.